The following is an entry in ClinVar:

ClinVar aggregate classification (germline): Uncertain significance (1 of 4 stars; one submission).

Conditions:
Charcot-Marie-Tooth disease type 2R. Also called: CHARCOT-MARIE-TOOTH NEUROPATHY, TYPE 2R; CHARCOT-MARIE-TOOTH DISEASE, AXONAL, AUTOSOMAL RECESSIVE, TYPE 2R; Charcot-Marie-Tooth disease, axonal, type 2R. Identifiers: Orphanet 397968, MedGen C3809655, MONDO:0014208, OMIM 615490.

gnomAD v4.1: 7 of 1,613,604 alleles (0.00043%); highest among the groups gnomAD compares: African/African-American, 0.0027%; no homozygotes.

Submission:

Labcorp Genetics (formerly Invitae), Labcorp
Classification: Uncertain significance for Charcot-Marie-Tooth disease type 2R. Last evaluated: 2022-02-06. Review status: criteria provided, single submitter. Criteria: Invitae Variant Classification Sherloc (09022015). Collection method: clinical testing. Allele origin: germline.
Comment: This variant is present in population databases (no rsID available, gnomAD 0.003%). This sequence change replaces glycine, which is neutral and non-polar, with tryptophan, which is neutral and slightly polar, at codon 144 of the TRIM2 protein (p.Gly144Trp). This variant has not been reported in the literature in individuals affected with TRIM2-related conditions. Algorithms developed to predict the effect of missense changes on protein structure and function (SIFT, PolyPhen-2, Align-GVGD) all suggest that this variant is likely to be disruptive. In summary, the available evidence is currently insufficient to determine the role of this variant in disease. Therefore, it has been classified as a Variant of Uncertain Significance.

NM_015271.5(TRIM2):c.511G>T (p.Gly171Trp)

Gene: TRIM2 (tripartite motif containing 2; plus strand). Cytogenetic location: 4q31.3.
Variant type: single nucleotide variant.
Coding change: c.511G>T on transcript NM_015271.5 (MANE Select); coding-DNA position 511, G replaced by T.
Protein change: p.Gly171Trp; replaces glycine 171 with tryptophan.
Molecular consequence: missense variant. On other transcripts: intron variant (2).
Genome position (GRCh38, 1-based): chr4:153,293,039, G>T. VCF-style: chr4-153293039-G-T. GRCh37 (hg19) VCF-style: chr4-154214191-G-T.
Other names: c.430G>T, p.Gly144Trp (NM_001130067.2, NM_001351056.2, NM_001375512.1 and 5 more transcripts); c.484G>T, p.Gly162Trp (NM_001351054.2); c.481G>T, p.Gly161Trp (NM_001351055.2); c.55G>T, p.Gly19Trp (NM_001351057.2); c.604G>T, p.Gly202Trp (NM_001375488.1); c.601G>T, p.Gly201Trp (NM_001375489.1); c.511G>T, p.Gly171Trp (NM_001375490.1); c.508G>T, p.Gly170Trp (NM_001375491.1); and 3 more; short protein forms G144W, G161W, G201W, G162W, G170W, G171W, G19W, G202W.
Identifiers: ClinVar variation 2094316 (VCV002094316.4), dbSNP rs375213888, ClinGen allele CA358471279.